The following is an entry in ClinVar:

NM_000159.4(GCDH):c.227A>G (p.Gln76Arg)

Genes: GCDH (glutaryl-CoA dehydrogenase; plus strand), LOC117125594 (CRISPRi-FlowFISH-validated KLF1 regulatory element; plus strand). Cytogenetic location: 19p13.13.
Variant type: single nucleotide variant.
Coding change: c.227A>G on transcript NM_000159.4 (MANE Select); coding-DNA position 227, A replaced by G.
Protein change: p.Gln76Arg; replaces glutamine 76 with arginine.
Molecular consequence: missense variant. On other transcripts: non-coding transcript variant (2).
Genome position (GRCh38, 1-based): chr19:12,891,930, A>G. VCF-style: chr19-12891930-A-G. GRCh37 (hg19) VCF-style: chr19-13002744-A-G.
Other names: c.227A>G, p.Gln76Arg (NM_013976.5); short protein forms Q76R.
Identifiers: ClinVar variation 2415826 (VCV002415826.7), dbSNP rs748185335, ClinGen allele CA305500197.
Genomic context (GRCh38, chr19:12,891,930, plus strand): 5'-TGGAGGAGCAGCTGACCACAGATGAGATCCTCATCAGGGACACCTTCCGCACCTACTGCC[A>G]GGAGAGACTCATGCCTCGCATCCTGTTGGCCAATCGCAACGAAGGTGGGCGGGCTGGTGG-3'
Protein context (NP_000150.1, residues 66-86): LIRDTFRTYC[Gln76Arg]ERLMPRILLA

ClinVar aggregate classification (germline): Uncertain significance (1 of 4 stars; one submission).

Conditions:
Glutaric aciduria, type 1. Also called: GA I; Glutaryl-CoA dehydrogenase deficiency; Glutaricaciduria, type I; Glutaric Acidemia Type 1; Glutaric acidemia type I; Glutaricacidemia Type 1. Identifiers: Orphanet 25, MedGen C0268595, MONDO:0009281, OMIM 231670.

Allele frequency attached by ClinVar (database versions not stated): gnomAD exomes below 0.00001.

Submission:

Labcorp Genetics (formerly Invitae), Labcorp
Classification: Uncertain significance for Glutaric aciduria, type 1. Last evaluated: 2022-08-20. Review status: criteria provided, single submitter. Criteria: Invitae Variant Classification Sherloc (09022015). Collection method: clinical testing. Allele origin: germline.
Comment: This sequence change replaces glutamine, which is neutral and polar, with arginine, which is basic and polar, at codon 76 of the GCDH protein (p.Gln76Arg). This variant is not present in population databases (gnomAD no frequency). This variant has not been reported in the literature in individuals affected with GCDH-related conditions. Advanced modeling of protein sequence and biophysical properties (such as structural, functional, and spatial information, amino acid conservation, physicochemical variation, residue mobility, and thermodynamic stability) performed at Invitae indicates that this missense variant is expected to disrupt GCDH protein function. In summary, the available evidence is currently insufficient to determine the role of this variant in disease. Therefore, it has been classified as a Variant of Uncertain Significance.